The following is an entry in ClinVar:

NM_001458.5(FLNC):c.193A>G (p.Ser65Gly)

Gene: FLNC (filamin C; plus strand). Cytogenetic location: 7q32.1.
Variant type: single nucleotide variant.
Coding change: c.193A>G on transcript NM_001458.5 (MANE Select); coding-DNA position 193, A replaced by G.
Protein change: p.Ser65Gly; replaces serine 65 with glycine.
Molecular consequence: missense variant.
Genome position (GRCh38, 1-based): chr7:128,830,830, A>G. VCF-style: chr7-128830830-A-G. GRCh37 (hg19) VCF-style: chr7-128470884-A-G.
Other names: p.Ser65Gly; c.193A>G, p.Ser65Gly (NM_001127487.2); short protein forms S65G.
Identifiers: ClinVar variation 1783021 (VCV001783021.5), dbSNP rs1258459459, ClinGen allele CA369216265.

ClinVar aggregate classification (germline): Uncertain significance. Review status: criteria provided, multiple submitters, no conflicts (2 of 4 stars). 3 submissions from 3 submitters: Uncertain significance (3). Last evaluated 2024-08-20.

Conditions:
Distal myopathy with posterior leg and anterior hand involvement. Also called: WILLIAMS DISTAL MYOPATHY. Identifiers: Orphanet 63273, MedGen C3279722, MONDO:0013550, OMIM 614065.
Hypertrophic cardiomyopathy 26. Also called: Cardiomyopathy, familial hypertrophic, 26. Identifiers: Orphanet 75249, MedGen C4310749, MONDO:0014883, OMIM 617047.
Myofibrillar myopathy 5. Also called: Filaminopathy (type); FILAMINOPATHY, AUTOSOMAL DOMINANT. Identifiers: Orphanet 171445, MedGen C1836050, MONDO:0012289, OMIM 609524.
Cardiovascular phenotype. Identifiers: MedGen CN230736.

Allele frequency attached by ClinVar (database versions not stated): gnomAD exomes 0.00001; gnomAD 0.00002; 1000 Genomes Project 30x 0.00031.
gnomAD v4.1: 13 of 1,613,102 alleles (0.00081%); highest among the groups gnomAD compares: South Asian, 0.012%; no homozygotes.

Submissions (3):

Labcorp Genetics (formerly Invitae), Labcorp
Classification: Uncertain significance for Distal myopathy with posterior leg and anterior hand involvement; Myofibrillar myopathy 5; Hypertrophic cardiomyopathy 26. Last evaluated: 2024-08-20. Review status: criteria provided, single submitter. Criteria: Invitae Variant Classification Sherloc (09022015). Collection method: clinical testing. Allele origin: germline.
Comment: This sequence change replaces serine, which is neutral and polar, with glycine, which is neutral and non-polar, at codon 65 of the FLNC protein (p.Ser65Gly). This variant is present in population databases (no rsID available, gnomAD 0.003%). This variant has not been reported in the literature in individuals affected with FLNC-related conditions. ClinVar contains an entry for this variant (Variation ID: 1783021). Invitae Evidence Modeling of protein sequence and biophysical properties (such as structural, functional, and spatial information, amino acid conservation, physicochemical variation, residue mobility, and thermodynamic stability) has been performed for this missense variant. However, the output from this modeling did not meet the statistical confidence thresholds required to predict the impact of this variant on FLNC protein function. In summary, the available evidence is currently insufficient to determine the role of this variant in disease. Therefore, it has been classified as a Variant of Uncertain Significance.

Mayo Clinic Laboratories, Mayo Clinic
Classification: Uncertain significance. Last evaluated: 2024-05-14. Review status: criteria provided, single submitter. Criteria: ACMG Guidelines, 2015. Collection method: clinical testing. Allele origin: germline. Observed: 1 variant allele.
Comment: BP4, PM2

Ambry Genetics
Classification: Uncertain significance for Cardiovascular phenotype. Last evaluated: 2022-09-26. Review status: criteria provided, single submitter. Criteria: Ambry Variant Classification Scheme 2023. Collection method: clinical testing. Allele origin: germline.
Comment: The p.S65G variant (also known as c.193A>G), located in coding exon 1 of the FLNC gene, results from an A to G substitution at nucleotide position 193. The serine at codon 65 is replaced by glycine, an amino acid with similar properties. This amino acid position is conserved. In addition, this alteration is predicted to be tolerated by in silico analysis. Since supporting evidence is limited at this time, the clinical significance of this alteration remains unclear.